The following is an entry in ClinVar:

ClinVar aggregate classification (germline): Uncertain significance (1 of 4 stars; one submission).

Conditions:
Inborn genetic diseases. Identifiers: MedGen C0950123, MeSH D030342.

Submission:

Ambry Genetics
Classification: Uncertain significance for Inborn genetic diseases. Last evaluated: 2026-05-30. Review status: criteria provided, single submitter. Criteria: Ambry Variant Classification Scheme 2023. Collection method: clinical testing. Allele origin: germline.
Comment: The p.P1358S variant (also known as c.4072C>T), located in coding exon 13 of the ASXL1 gene, results from a C to T substitution at nucleotide position 4072. The proline at codon 1358 is replaced by serine, an amino acid with similar properties. This amino acid position is conserved. In addition, this alteration is predicted to be tolerated by in silico analysis. Based on the available evidence, the clinical significance of this variant remains unclear.

NM_015338.6(ASXL1):c.4072C>T (p.Pro1358Ser)

Gene: ASXL1 (ASXL transcriptional regulator 1; plus strand). Cytogenetic location: 20q11.21.
Variant type: single nucleotide variant.
Coding change: c.4072C>T on transcript NM_015338.6 (MANE Select); coding-DNA position 4072, C replaced by T.
Protein change: p.Pro1358Ser; replaces proline 1358 with serine.
Molecular consequence: missense variant.
Genome position (GRCh38, 1-based): chr20:32,436,784, C>T. VCF-style: chr20-32436784-C-T. GRCh37 (hg19) VCF-style: chr20-31024587-C-T.
Other names: c.3889C>T, p.Pro1297Ser (NM_001363734.1); short protein forms P1297S, P1358S.
Identifiers: ClinVar variation 4864847 (VCV004864847.1).